The following is an entry in ClinVar:

ClinVar aggregate classification (germline): Pathogenic (1 of 4 stars; one submission).

Conditions:
Familial adenomatous polyposis 1 (FAP1). Also called: FAMILIAL ADENOMATOUS POLYPOSIS 1, ATTENUATED; POLYPOSIS, ADENOMATOUS INTESTINAL. Identifiers: MedGen C2713442, MONDO:0021056, OMIM 175100. Disease mechanism: loss of function.

Submission:

Myriad Genetics, Inc.
Classification: Pathogenic for Familial adenomatous polyposis 1. Last evaluated: 2023-05-05. Review status: criteria provided, single submitter. Criteria: Myriad Autosomal Dominant, Autosomal Recessive and X-Linked Classification Criteria (2023). Collection method: clinical testing. Allele origin: unknown.
Comment: This variant is considered pathogenic. This variant creates a frameshift predicted to result in premature protein truncation.

NM_000038.6(APC):c.2987del (p.Ser996fs)

Gene: APC (APC regulator of Wnt signaling pathway; plus strand). Cytogenetic location: 5q22.2.
Variant type: Deletion.
Coding change: c.2987del on transcript NM_000038.6 (MANE Select); coding-DNA position 2987, one base deleted (G; older notation c.2987delG).
Protein change: p.Ser996fs; shifts the reading frame from serine 996.
Molecular consequence: frameshift variant. On other transcripts: non-coding transcript variant (2).
Genome position (GRCh38, 1-based): chr5:112,838,581, G deleted. VCF-style (leftmost placement, unchanged base first): chr5-112838580-AG-A. GRCh37 (hg19) VCF-style: chr5-112174277-AG-A.
Other names: c.2987del, p.Ser996fs (NM_001127510.3, NM_001354895.2, NM_001407450.1); c.2933del, p.Ser978fs (NM_001127511.3); c.3041del, p.Ser1014fs (NM_001354896.2, NM_001407447.1, NM_001407448.1 and 1 more transcripts); c.3017del, p.Ser1006fs (NM_001354897.2); c.2912del, p.Ser971fs (NM_001354898.2); c.2903del, p.Ser968fs (NM_001354899.2); c.2864del, p.Ser955fs (NM_001354900.2); c.2810del, p.Ser937fs (NM_001354901.2, NM_001407453.1); and 11 more; short protein forms S1006fs, S1014fs, S1024fs, S612fs, S713fs, S836fs, S867fs, S870fs.
Identifiers: ClinVar variation 2584253 (VCV002584253.2), dbSNP rs2533463695, ClinGen allele CA2582341469.